The following is an entry in ClinVar:

NM_006306.4(SMC1A):c.241A>G (p.Ser81Gly)

Gene: SMC1A (structural maintenance of chromosomes 1A; minus strand). Cytogenetic location: Xp11.22.
Variant type: single nucleotide variant.
Coding change: c.241A>G on transcript NM_006306.4 (MANE Select); coding-DNA position 241, A replaced by G.
Protein change: p.Ser81Gly; replaces serine 81 with glycine.
Molecular consequence: missense variant.
Genome position (GRCh38, 1-based): chrX:53,415,038, T>C on the plus strand (A>G on the coding strand, the complement: SMC1A is on the minus strand). VCF-style: chrX-53415038-T-C. GRCh37 (hg19) VCF-style: chrX-53441987-T-C.
Other names: c.175A>G, p.Ser59Gly (NM_001281463.1); short protein forms S59G, S81G.
Identifiers: ClinVar variation 3710915 (VCV003710915.2).
Genomic context (GRCh38, chrX:53,415,038, plus strand): 5'-CACCTACAATGACACGGGCAAAGGTACGGTCCTCAGCACCCTCCTCAGAGTAGACCATGC[T>C]GACAAAGGCCCGGTTGGCAGCTGGCTTGCCCACAGGAGCTCCATGGATCAGGTCCCGCAG-3'
Protein context (NP_006297.2, residues 71-91): GKPAANRAFV[Ser81Gly]MVYSEEGAED

ClinVar aggregate classification (germline): Uncertain significance (1 of 4 stars; one submission).

Conditions:
Congenital muscular hypertrophy-cerebral syndrome (CDLS2). Also called: Cornelia de Lange syndrome 2; SMC1A-Related Cornelia de Lange Syndrome. Identifiers: Orphanet 199, MedGen C1802395, MONDO:0010370, OMIM 300590.

Submission:

Labcorp Genetics (formerly Invitae), Labcorp
Classification: Uncertain significance for Congenital muscular hypertrophy-cerebral syndrome. Last evaluated: 2024-10-31. Review status: criteria provided, single submitter. Criteria: Invitae Variant Classification Sherloc (09022015). Collection method: clinical testing. Allele origin: germline.
Comment: This sequence change replaces serine, which is neutral and polar, with glycine, which is neutral and non-polar, at codon 81 of the SMC1A protein (p.Ser81Gly). This variant is not present in population databases (gnomAD no frequency). This variant has not been reported in the literature in individuals affected with SMC1A-related conditions. Invitae Evidence Modeling of protein sequence and biophysical properties (such as structural, functional, and spatial information, amino acid conservation, physicochemical variation, residue mobility, and thermodynamic stability) indicates that this missense variant is not expected to disrupt SMC1A protein function with a negative predictive value of 80%. In summary, the available evidence is currently insufficient to determine the role of this variant in disease. Therefore, it has been classified as a Variant of Uncertain Significance.